The following is an entry in ClinVar:

ClinVar aggregate classification (germline): Uncertain significance (1 of 4 stars; one submission).

Conditions:
Dyskeratosis congenita, autosomal recessive 5 (DKCB5). Identifiers: MedGen C3554656, MONDO:0014076, OMIM 615190.
Pulmonary fibrosis and/or bone marrow failure, Telomere-related, 3. Also called: PULMONARY FIBROSIS AND/OR BONE MARROW FAILURE SYNDROME, TELOMERE-RELATED, 3. Identifiers: Orphanet 2032, MedGen C4225346, MONDO:0014613, OMIM 616373.

Allele frequency attached by ClinVar (database versions not stated): gnomAD exomes below 0.00001.
gnomAD v4.1: 2 of 1,612,492 alleles (0.00012%); highest among the groups gnomAD compares: African/African-American, 0.0013%; no homozygotes.

Submission:

Labcorp Genetics (formerly Invitae), Labcorp
Classification: Uncertain significance for Dyskeratosis congenita, autosomal recessive 5; Pulmonary fibrosis and/or bone marrow failure, Telomere-related, 3. Last evaluated: 2021-08-28. Review status: criteria provided, single submitter. Criteria: Invitae Variant Classification Sherloc (09022015). Collection method: clinical testing. Allele origin: germline.
Comment: This sequence change replaces glutamine with arginine at codon 950 of the RTEL1 protein (p.Gln950Arg). The glutamine residue is weakly conserved and there is a small physicochemical difference between glutamine and arginine. This variant is not present in population databases (ExAC no frequency). This variant has not been reported in the literature in individuals affected with RTEL1-related conditions. Algorithms developed to predict the effect of missense changes on protein structure and function output the following: SIFT: "Tolerated"; PolyPhen-2: "Benign"; Align-GVGD: "Class C0". The arginine amino acid residue is found in multiple mammalian species, which suggests that this missense change does not adversely affect protein function. In summary, the available evidence is currently insufficient to determine the role of this variant in disease. Therefore, it has been classified as a Variant of Uncertain Significance.

NM_001283009.2(RTEL1):c.2849A>G (p.Gln950Arg)

Genes: RTEL1 (regulator of telomere elongation helicase 1; plus strand), RTEL1-TNFRSF6B (RTEL1-TNFRSF6B readthrough (NMD candidate); plus strand). Cytogenetic location: 20q13.33.
Variant type: single nucleotide variant.
Coding change: c.2849A>G on transcript NM_001283009.2 (MANE Select); coding-DNA position 2849, A replaced by G.
Protein change: p.Gln950Arg; replaces glutamine 950 with arginine.
Molecular consequence: missense variant. On other transcripts: non-coding transcript variant (1).
Genome position (GRCh38, 1-based): chr20:63,693,001, A>G. VCF-style: chr20-63693001-A-G. GRCh37 (hg19) VCF-style: chr20-62324354-A-G.
Other names: c.2180A>G, p.Gln727Arg (NM_001283010.1); c.2849A>G, p.Gln950Arg (NM_016434.4); c.2921A>G, p.Gln974Arg (NM_032957.5); short protein forms Q950R, Q974R, Q727R.
Identifiers: ClinVar variation 1407146 (VCV001407146.5), dbSNP rs2145447147, ClinGen allele CA409683150.